The following is an entry in ClinVar:

NM_000271.5(NPC1):c.451_452del (p.Ser151fs)

Gene: NPC1 (NPC intracellular cholesterol transporter 1; minus strand). Cytogenetic location: 18q11.2.
Variant type: Microsatellite.
Coding change: c.451_452del on transcript NM_000271.5 (MANE Select); coding-DNA positions 451 to 452, 2 bases deleted (AG; older notation c.451_452delAG).
Protein change: p.Ser151fs; shifts the reading frame from serine 151.
Molecular consequence: frameshift variant.
Genome position (GRCh38, 1-based): chr18:23,568,834-23,568,835, CT deleted on the plus strand (AG on the coding strand, the reverse complement: NPC1 is on the minus strand); deleting any 2 consecutive bases within chr18:23,568,834-23,568,837 gives the same sequence; the c. name uses the placement nearest the transcript's 3' end. VCF-style (leftmost placement, unchanged base first): chr18-23568833-ACT-A. GRCh37 (hg19) VCF-style: chr18-21148797-ACT-A.
Other names: c.451_452del (NM_000271.4); short protein forms S151fs.
Identifiers: ClinVar variation 558159 (VCV000558159.11), dbSNP rs749012588, ClinGen allele CA8913740.

ClinVar aggregate classification (germline): Pathogenic. Review status: criteria provided, multiple submitters, no conflicts (2 of 4 stars). 6 submissions from 6 submitters: Pathogenic (5). 1 of the submissions does not count toward it. Last evaluated 2024-07-06.

Conditions:
Niemann-Pick disease, type C (NPC). Identifiers: Orphanet 646, MedGen C0220756, MONDO:0018982.
Niemann-Pick disease, type C1, juvenile form. Identifiers: MedGen C4017106.
Niemann-Pick disease, type C1. Also called: NEUROVISCERAL STORAGE DISEASE WITH VERTICAL SUPRANUCLEAR OPHTHALMOPLEGIA; NIEMANN-PICK DISEASE WITH CHOLESTEROL ESTERIFICATION BLOCK; NIEMANN-PICK DISEASE WITHOUT SPHINGOMYELINASE DEFICIENCY; NIEMANN-PICK DISEASE, CHRONIC NEURONOPATHIC FORM; NIEMANN-PICK DISEASE, VARIANT TYPE C1. Identifiers: Orphanet 646, MedGen C3179455, MONDO:0009757, OMIM 257220.

Submissions (6):

Labcorp Genetics (formerly Invitae), Labcorp
Classification: Pathogenic for Niemann-Pick disease, type C1. Last evaluated: 2024-07-06. Review status: criteria provided, single submitter. Criteria: Invitae Variant Classification Sherloc (09022015). Collection method: clinical testing. Allele origin: germline.
Comment: This sequence change creates a premature translational stop signal (p.Ser151Phefs*18) in the NPC1 gene. It is expected to result in an absent or disrupted protein product. Loss-of-function variants in NPC1 are known to be pathogenic (PMID: 9211850). This variant is present in population databases (rs749012588, gnomAD 0.0009%). This premature translational stop signal has been observed in individual(s) with NPC1-related conditions (PMID: 11349231, 30820861). ClinVar contains an entry for this variant (Variation ID: 558159). For these reasons, this variant has been classified as Pathogenic.

GeneDx
Classification: Pathogenic. Last evaluated: 2024-03-15. Review status: criteria provided, single submitter. Criteria: GeneDx Variant Classification Process June 2021. Collection method: clinical testing. Allele origin: germline. Affected: yes.
Comment: Frameshift variant predicted to result in protein truncation or nonsense mediated decay in a gene for which loss of function is a known mechanism of disease; Not observed at significant frequency in large population cohorts (gnomAD); This variant is associated with the following publications: (PMID: 35408815, Jeong2017[casereport], 36007526, 11349231, 30820861, 34113546, 32709131, 30633340)

Women's Health and Genetics/Laboratory Corporation of America, LabCorp
Classification: Pathogenic for Niemann-Pick disease, type C. Last evaluated: 2021-09-20. Review status: criteria provided, single submitter. Criteria: LabCorp Variant Classification Summary - May 2015. Collection method: clinical testing. Allele origin: germline.
Comment: Variant summary: NPC1 c.451_452delAG (p.Ser151PhefsX18) results in a premature termination codon, predicted to cause a truncation of the encoded protein or absence of the protein due to nonsense mediated decay, which are commonly known mechanisms for disease. Truncations downstream of this position have been classified as pathogenic by our laboratory. The variant allele was found at a frequency of 4e-06 in 251408 control chromosomes (gnomAD). c.451_452delAG has been reported in the literature in individuals affected with Niemann-Pick Disease Type C, including one homozygote (Sun_2001, Garver_2010, Mahmound_2019, Polese-Bonatto_2019). These data indicate that the variant is likely to be associated with disease. To our knowledge, no experimental evidence demonstrating an impact on protein function has been reported. Three ClinVar submitters (evaluation after 2014) cite the variant as pathogenic (n=2) and likely pathogenic (n=1). Based on the evidence outlined above, the variant was classified as pathogenic.

Mendelics
Classification: Pathogenic for Niemann-Pick disease, type C1. Last evaluated: 2019-05-28. Review status: criteria provided, single submitter. Criteria: Mendelics Assertion Criteria 2017. Collection method: clinical testing. Allele origin: unknown.

Rady Children's Institute for Genomic Medicine, Rady Children's Hospital San Diego
Classification: Pathogenic for NIEMANN-PICK DISEASE, TYPE C1, JUVENILE FORM. Last evaluated: 2019-05-23. Review status: criteria provided, single submitter. Criteria: ACMG Guidelines, 2015. Collection method: clinical testing. Allele origin: germline. Affected: yes.
Comment: This frameshifting variant in exon 4 of 25 introduces a premature stop codon and is therefore predicted to result in loss of normal protein function. This variant has been previously reported in the compound heterozygous state in an individual with reduced cholesterol esterification and a classical Niemann-Pick type C disease phenotype (PMID: 11349231) and in the compound heterozygous state in an individual with Niemann-Pick disease type 1C (PMID: 19744920). It is present in the heterozygous state in the gnomAD population database at a frequency of 0.0004% (1/246196) and thus is presumed to be rare. This variant has been classified as Likely Pathogenic by a clinical lab in the ClinVar database (Variation ID: 558159). Based on the available evidence, the c.451_452del (p.Ser151PhefsTer18) variant is classified as a Likely Pathogenic.

Counsyl
Classification: Likely pathogenic for Niemann-Pick disease, type C1. Last evaluated: 2018-05-02. Review status: no assertion criteria provided. Collection method: clinical testing. Allele origin: unknown. Not counted in ClinVar's aggregate classification.

Literature cited by the submitters: PubMed 9211850 (cited by Labcorp Genetics (formerly Invitae), Labcorp); PubMed 11349231 (cited by 3 submitters); PubMed 30820861 (cited by Labcorp Genetics (formerly Invitae), Labcorp and Women's Health and Genetics/Laboratory Corporation of America, LabCorp); PubMed 19744920 (cited by Women's Health and Genetics/Laboratory Corporation of America, LabCorp and Counsyl); PubMed 12955717 (cited by Women's Health and Genetics/Laboratory Corporation of America, LabCorp); PubMed 33139814 (cited by Women's Health and Genetics/Laboratory Corporation of America, LabCorp); PubMed 30633340 (cited by Women's Health and Genetics/Laboratory Corporation of America, LabCorp); PubMed 30202070 (cited by Women's Health and Genetics/Laboratory Corporation of America, LabCorp); PubMed 32709131 (cited by Women's Health and Genetics/Laboratory Corporation of America, LabCorp).